The following is an entry in ClinVar:

NM_000276.4(OCRL):c.577_578del (p.Glu193fs)

Gene: OCRL (OCRL inositol polyphosphate-5-phosphatase; plus strand). Cytogenetic location: Xq26.1.
Variant type: Deletion.
Coding change: c.577_578del on transcript NM_000276.4 (MANE Select); coding-DNA positions 577 to 578, 2 bases deleted (GA; older notation c.577_578delGA).
Protein change: p.Glu193fs; shifts the reading frame from glutamic acid 193.
Molecular consequence: frameshift variant.
Genome position (GRCh38, 1-based): chrX:129,558,856-129,558,857, GA deleted; deleting any 2 consecutive bases within chrX:129,558,855-129,558,857 gives the same sequence; the c. name uses the placement nearest the transcript's 3' end. VCF-style (leftmost placement, unchanged base first): chrX-129558854-AAG-A. GRCh37 (hg19) VCF-style: chrX-128692831-AAG-A.
Other names: c.580_581del, p.Glu194fs (NM_001318784.2); c.577_578del, p.Glu193fs (NM_001587.4); short protein forms E193fs, E194fs.
Identifiers: ClinVar variation 2500120 (VCV002500120.2), dbSNP rs2521878560, ClinGen allele CA2580100313.

ClinVar aggregate classification (germline): Likely pathogenic (1 of 4 stars; one submission).

Conditions:
Lowe syndrome (OCRL). Also called: LOWE OCULOCEREBRORENAL SYNDROME; PHOSPHATIDYLINOSITOL 4,5-BISPHOSPHATE 5-PHOSPHATASE DEFICIENCY; Oculocerebrorenal Syndrome. Identifiers: Orphanet 534, MedGen C0028860, MONDO:0010645, OMIM 309000.

Submission:

Center for Human Genetics and Genomic Medicine, Uniklinik Rwth Aachen
Classification: Likely pathogenic for Lowe syndrome. Last evaluated: 2023-04-27. Review status: criteria provided, single submitter. Criteria: ACMG Guidelines, 2015. Collection method: clinical testing. Allele origin: unknown. Inheritance: X-linked inheritance. Affected: yes. Observed: 1 hemizygote.
Comment: The proven change does not occur in the general population (gnomAD) (as of April 17, 2023). It has not yet been described in the literature. The variant represents a shift in the reading frame with a subsequent stop codon. This usually leads either to premature termination of translation or a so-called "nonsense-mediated mRNA decay". In both cases, there is a loss of function of the protein. Intolerance to haploinsufficiency has been described as a pathomechanism for the gene examined. Therefore, a pathogenetic relevance can be assumed with high probability. The variant is currently to be regarded as a "likely pathogenic variant" (ACMG criteria).